The following is an entry in ClinVar:

NM_014754.3(PTDSS1):c.848C>T (p.Ser283Phe)

Gene: PTDSS1 (phosphatidylserine synthase 1; plus strand). Cytogenetic location: 8q22.1.
Variant type: single nucleotide variant.
Coding change: c.848C>T on transcript NM_014754.3 (MANE Select); coding-DNA position 848, C replaced by T.
Protein change: p.Ser283Phe; replaces serine 283 with phenylalanine.
Molecular consequence: missense variant.
Genome position (GRCh38, 1-based): chr8:96,304,135, C>T. VCF-style: chr8-96304135-C-T. GRCh37 (hg19) VCF-style: chr8-97316363-C-T.
Other names: c.410C>T, p.Ser137Phe (NM_001290225.2); short protein forms S137F, S283F.
Identifiers: ClinVar variation 1027889 (VCV001027889.1), dbSNP rs1811091915, ClinGen allele CA371756965.
Genomic context (GRCh38, chr8:96,304,135, plus strand): 5'-CTGTTCTGCAGTTCACTCCTGCTAGCTGGACCTATGTTCGATGGTTTGACCCCAAATCTT[C>T]TTTTCAGAGAGTAGCTGGAGTGTACCTTTTCATGATCATCTGGCAGGTATTTTTTCAGAT-3'
Protein context (NP_055569.1, residues 273-293): TYVRWFDPKS[Ser283Phe]FQRVAGVYLF

ClinVar aggregate classification (germline): Likely pathogenic (1 of 4 stars; one submission).

Conditions:
Lenz-Majewski hyperostosis syndrome (LMHD). Also called: PTDSS1-Related Lenz-Majewski Hyperostotic Dysplasia; Lenz-Majewski hyperostotic dysplasia; Multiple congenital anomalies, mental retardation and progressive skeletal sclerosis; Hyperostotic dwarfism Lenz-Majewski type; LENZ-MAJEWSKI SYNDROME. Identifiers: Orphanet 2658, MedGen C0432269, MONDO:0007892, OMIM 151050.

Submission:

Baylor Genetics
Classification: Likely pathogenic for Lenz-Majewski hyperostosis syndrome. Last evaluated: 2019-01-02. Review status: criteria provided, single submitter. Criteria: ACMG Guidelines, 2015. Collection method: clinical testing. Allele origin: de novo. Affected: yes.
Comment: This variant was determined to be likely pathogenic according to ACMG Guidelines, 2015 [PMID:25741868].